The following is an entry in ClinVar:

ClinVar aggregate classification (germline): Uncertain significance. Review status: criteria provided, multiple submitters, no conflicts (2 of 4 stars). 2 submissions from 2 submitters: Uncertain significance (2). Last evaluated 2024-03-13.

Conditions:
Isolated focal cortical dysplasia type II (FCORD2). Also called: CORTICAL DYSPLASIA OF TAYLOR; Focal cortical dysplasia type II. Identifiers: Orphanet 268994, MedGen C1846385, MONDO:0011818, OMIM 607341, HP:0032051.

Submissions (2):

Baylor Genetics
Classification: Uncertain significance for Isolated focal cortical dysplasia type II. Last evaluated: 2024-03-13. Review status: criteria provided, single submitter. Criteria: ACMG Guidelines, 2015. Collection method: clinical testing. Allele origin: unknown.

GeneDx
Classification: Uncertain significance. Last evaluated: 2023-12-06. Review status: criteria provided, single submitter. Criteria: GeneDx Variant Classification Process June 2021. Collection method: clinical testing. Allele origin: germline. Affected: yes.
Comment: Not observed at significant frequency in large population cohorts (gnomAD); In silico analysis supports that this missense variant has a deleterious effect on protein structure/function; Has not been previously published as pathogenic or benign to our knowledge

NM_000368.5(TSC1):c.315T>A (p.His105Gln)

Gene: TSC1 (TSC complex subunit 1; minus strand). Cytogenetic location: 9q34.13.
Variant type: single nucleotide variant.
Coding change: c.315T>A on transcript NM_000368.5 (MANE Select); coding-DNA position 315, T replaced by A.
Protein change: p.His105Gln; replaces histidine 105 with glutamine.
Molecular consequence: missense variant. On other transcripts: 5 prime UTR variant (18), non-coding transcript variant (5), intron variant (5).
Genome position (GRCh38, 1-based): chr9:132,925,635, A>T on the plus strand (T>A on the coding strand, the complement: TSC1 is on the minus strand). VCF-style: chr9-132925635-A-T. GRCh37 (hg19) VCF-style: chr9-135801022-A-T.
Other names: c.315T>A, p.His105Gln (NM_001162426.2, NM_001406592.1, NM_001406593.1 and 16 more transcripts); c.-49T>A (NM_001362177.2, NM_001406617.1, NM_001406618.1 and 5 more transcripts); c.-141T>A (NM_001406614.1, NM_001406616.1, NM_001406624.1); c.-174T>A (NM_001406615.1, NM_001406623.1); c.-563T>A (NM_001406626.1, NM_001406627.1, NM_001406628.1); c.-705T>A (NM_001406629.1); c.-779T>A (NM_001406630.1); c.210+1566T>A (NM_001406613.1, NM_001406612.1, NM_001406610.1 and 2 more transcripts); short protein forms H105Q.
Identifiers: ClinVar variation 3240643 (VCV003240643.2), dbSNP rs2132232452.
Genomic context (GRCh38, chr9:132,925,635, plus strand): 5'-CAAACATCCTACCTTGAGACATTTTAGTAAAGAAGGCAAAAGAGGTGCTTGAGAGAGCTT[A>T]TGCTTCCAAGATGGCTGCAGTCTTATGACATGACCCAGTAACGAGAGGATGGATAAACGA-3'
Protein context (NP_000359.1, residues 95-115): HVIRLQPSWK[His105Gln]KLSQAPLLPS